The following is an entry in ClinVar:

ClinVar aggregate classification (germline): Benign/Likely benign. Review status: criteria provided, multiple submitters, no conflicts (2 of 4 stars). 9 submissions from 9 submitters: Benign (6); Likely benign (1). 2 of the submissions do not count toward it. Last evaluated 2026-05-11.

Conditions:
Curry-Hall syndrome (WAD). Also called: WEYERS ACRODENTAL DYSOSTOSIS. Identifiers: Orphanet 952, MedGen C0457013, MONDO:0008673, OMIM 193530.
Ellis-van Creveld syndrome (EVC). Also called: MESOECTODERMAL DYSPLASIA; Chondroectodermal dysplasia. Identifiers: Orphanet 289, MedGen C0013903, MONDO:0009162, OMIM 225500.

Allele frequency attached by ClinVar (database versions not stated): ESP Exome Variant Server 0.01023; gnomAD 0.01416 and 0.01554; gnomAD exomes 0.02483 and 0.01727; 1000 Genomes Project 30x 0.02577; TOPMed 0.01491; ExAC 0.02661; 1000 Genomes Project 0.02756.
gnomAD v4.1: 27,631 of 1,611,026 alleles (1.7%); highest among the groups gnomAD compares: East Asian, 6.9%; 479 homozygotes.

Submissions (9):

Women's Health and Genetics/Laboratory Corporation of America, LabCorp
Classification: Likely benign. Last evaluated: 2026-05-11. Review status: criteria provided, single submitter. Criteria: LabCorp Variant Classification Summary - May 2015. Collection method: clinical testing. Allele origin: germline.

Labcorp Genetics (formerly Invitae), Labcorp
Classification: Benign for Curry-Hall syndrome; Ellis-van Creveld syndrome. Last evaluated: 2026-02-04. Review status: criteria provided, single submitter. Criteria: Invitae Variant Classification Sherloc (09022015). Collection method: clinical testing. Allele origin: germline.

Illumina Laboratory Services, Illumina
Classification: Benign for Ellis-van Creveld syndrome. Last evaluated: 2018-01-12. Review status: criteria provided, single submitter. Criteria: ICSL Variant Classification Criteria 13 December 2019. Collection method: clinical testing. Allele origin: germline.
Comment: This variant was observed in the ICSL laboratory as part of a predisposition screen in an ostensibly healthy population. It had not been previously curated by ICSL or reported in the Human Gene Mutation Database (HGMD: prior to June 1st, 2018), and was therefore a candidate for classification through an automated scoring system. Utilizing variant allele frequency, disease prevalence and penetrance estimates, and inheritance mode, an automated score was calculated to assess if this variant is too frequent to cause the disease. Based on the score and internal cut-off values, a variant classified as benign is not then subjected to further curation. The score for this variant resulted in a classification of benign for this disease.

GeneDx
Classification: Benign. Last evaluated: 2016-08-04. Review status: criteria provided, single submitter. Criteria: GeneDx Variant Classification (06012015). Collection method: clinical testing. Allele origin: germline. Affected: yes.
Comment: This variant is considered likely benign or benign based on one or more of the following criteria: it is a conservative change, it occurs at a poorly conserved position in the protein, it is predicted to be benign by multiple in silico algorithms, and/or has population frequency not consistent with disease.

Eurofins Ntd Llc (ga)
Classification: Benign. Last evaluated: 2016-05-19. Review status: criteria provided, single submitter. Criteria: EGL Classification Definitions 2015. Collection method: clinical testing. Allele origin: germline. Observed: 1 variant allele, 1 heterozygote.

Breakthrough Genomics
Classification: Benign. Review status: criteria provided, single submitter. Criteria: ACMG Guidelines, 2015. Collection method: not provided. Allele origin: germline. Inheritance: Autosomal recessive inheritance. Affected: yes.

PreventionGenetics, part of Exact Sciences
Classification: Benign. Review status: criteria provided, single submitter. Criteria: ACMG Guidelines, 2015. Collection method: clinical testing. Allele origin: germline.

Genome Diagnostics Laboratory, University Medical Center Utrecht
Classification: Benign. Review status: no assertion criteria provided. Collection method: clinical testing. Allele origin: germline. Affected: yes. Study: VKGL Data-share Consensus. Not counted in ClinVar's aggregate classification.

Laboratory of Diagnostic Genome Analysis, Leiden University Medical Center (LUMC)
Classification: Likely benign. Review status: no assertion criteria provided. Collection method: clinical testing. Allele origin: germline. Affected: yes. Study: VKGL Data-share Consensus. Not counted in ClinVar's aggregate classification.

NM_153717.3(EVC):c.2279G>A (p.Arg760Gln)

Gene: EVC (EvC ciliary complex subunit 1; plus strand). Cytogenetic location: 4p16.2.
Variant type: single nucleotide variant.
Coding change: c.2279G>A on transcript NM_153717.3 (MANE Select); coding-DNA position 2279, G replaced by A.
Protein change: p.Arg760Gln; replaces arginine 760 with glutamine.
Molecular consequence: missense variant.
Genome position (GRCh38, 1-based): chr4:5,798,767, G>A. VCF-style: chr4-5798767-G-A. GRCh37 (hg19) VCF-style: chr4-5800494-G-A.
Other names: c.2279G>A, p.Arg760Gln (NM_001306090.2); short protein forms R760Q.
Identifiers: ClinVar variation 262771 (VCV000262771.24), dbSNP rs2279252, ClinGen allele CA2836432.